The following is an entry in ClinVar:

NM_001267550.2(TTN):c.56351G>A (p.Arg18784His)

Genes: TTN-AS1 (TTN antisense RNA 1; plus strand), TTN (titin; minus strand). Cytogenetic location: 2q31.2.
Variant type: single nucleotide variant.
Coding change: c.56351G>A on transcript NM_001267550.2 (MANE Select); coding-DNA position 56351, G replaced by A.
Protein change: p.Arg18784His; replaces arginine 18784 with histidine.
Molecular consequence: missense variant.
Genome position (GRCh38, 1-based): chr2:178,599,442, C>T on the plus strand (G>A on the coding strand, the complement: TTN is on the minus strand). VCF-style: chr2-178599442-C-T. GRCh37 (hg19) VCF-style: chr2-179464169-C-T.
Other names: p.Arg17143His; c.51428G>A, p.Arg17143His (NM_001256850.1); c.29156G>A, p.Arg9719His (NM_003319.4); c.48647G>A, p.Arg16216His (NM_133378.4); c.29531G>A, p.Arg9844His (NM_133432.3); c.29732G>A, p.Arg9911His (NM_133437.4); short protein forms R18784H, R16216H, R17143H, R9719H, R9844H, R9911H.
Identifiers: ClinVar variation 467289 (VCV000467289.19), dbSNP rs771284532, ClinGen allele CA1993265.
Genomic context (GRCh38, chr2:178,599,442, plus strand): 5'-AGTGTCATTTGATCTGCTGAAACAGATTCAAATTTTATGGGTCCCACTGGAGGGCCAGGA[C>T]GACCTAAAATGGTTTAAAGAAGGAACCCTTTATCACTCAGATGATTTTAAAGCCAAATGT-3'
Protein context (NP_001254479.2, residues 18774-18794): SKEMRLNVLG[Arg18784His]PGPPVGPIKF

ClinVar aggregate classification (germline): Conflicting classifications of pathogenicity. Review status: criteria provided, conflicting classifications (1 of 4 stars). 11 submissions from 11 submitters: Uncertain significance (3); Likely benign (4). 4 of the submissions do not count toward it. Last evaluated 2025-11-28.

Conditions:
Cardiomyopathy (CMYO). Also called: Cardiomyopathies. Identifiers: Orphanet 167848, MedGen C0878544, MONDO:0004994, HP:0001638. Inheritance: Various modes of inheritance.
Autosomal recessive limb-girdle muscular dystrophy type 2J (LGMDR10). Also called: Limb-girdle muscular dystrophy, type 2J; MUSCULAR DYSTROPHY, LIMB-GIRDLE, AUTOSOMAL RECESSIVE 10. Identifiers: Orphanet 140922, MedGen C1837342, MONDO:0012127, OMIM 608807.
Dilated cardiomyopathy 1G (CMD1G). Identifiers: Orphanet 154, MedGen C1858763, MONDO:0011400, OMIM 604145.

Allele frequency attached by ClinVar (database versions not stated): gnomAD 0.00005; gnomAD exomes 0.00005 and 0.00008; TOPMed 0.00005; ExAC 0.00008.
gnomAD v4.1: 76 of 1,528,552 alleles (0.005%); highest among the groups gnomAD compares: Middle Eastern, 0.018%; 1 homozygote.

Submissions (11):

Mayo Clinic Laboratories, Mayo Clinic
Classification: Likely benign. Last evaluated: 2025-11-28. Review status: criteria provided, single submitter. Criteria: ACMG Guidelines, 2015. Collection method: clinical testing. Allele origin: germline. Observed: 1 variant allele.
Comment: BP1, BP4

Molecular Diagnostic Laboratory for Inherited Cardiovascular Disease, Montreal Heart Institute
Classification: Likely benign. Last evaluated: 2025-04-09. Review status: criteria provided, single submitter. Criteria: ACMG Guidelines, 2015. Collection method: clinical testing. Allele origin: germline. Affected: no.

Revvity Omics, Revvity
Classification: Uncertain significance. Last evaluated: 2023-01-26. Review status: criteria provided, single submitter. Criteria: ACMG Guidelines, 2015. Collection method: clinical testing. Allele origin: germline.

CHEO Genetics Diagnostic Laboratory, Children's Hospital of Eastern Ontario
Classification: Likely benign for Cardiomyopathy. Last evaluated: 2022-02-18. Review status: criteria provided, single submitter. Criteria: ACMG Guidelines, 2015. Collection method: clinical testing. Allele origin: germline.

GeneDx
Classification: Likely benign. Last evaluated: 2018-03-13. Review status: criteria provided, single submitter. Criteria: GeneDx Variant Classification (06012015). Collection method: clinical testing. Allele origin: germline. Affected: yes.
Comment: This variant is considered likely benign or benign based on one or more of the following criteria: it is a conservative change, it occurs at a poorly conserved position in the protein, it is predicted to be benign by multiple in silico algorithms, and/or has population frequency not consistent with disease.

Eurofins Ntd Llc (ga)
Classification: Uncertain significance. Last evaluated: 2017-05-05. Review status: criteria provided, single submitter. Criteria: EGL Classification Definitions 2015. Collection method: clinical testing. Allele origin: germline. Observed: 2 variant alleles, 2 heterozygotes.

Labcorp Genetics (formerly Invitae), Labcorp
Classification: Uncertain significance for Dilated cardiomyopathy 1G; Autosomal recessive limb-girdle muscular dystrophy type 2J. Last evaluated: 2017-02-15. Review status: criteria provided, single submitter. Criteria: Invitae Variant Classification Sherloc (09022015). Collection method: clinical testing. Allele origin: germline.

Clinical Genetics DNA and cytogenetics Diagnostics Lab, Erasmus MC, Erasmus Medical Center
Classification: Uncertain significance. Review status: no assertion criteria provided. Collection method: clinical testing. Allele origin: germline. Affected: yes. Study: VKGL Data-share Consensus. Not counted in ClinVar's aggregate classification.

Clinical Genetics, Academic Medical Center
Classification: Uncertain significance. Review status: no assertion criteria provided. Collection method: clinical testing. Allele origin: germline. Affected: yes. Study: VKGL Data-share Consensus. Not counted in ClinVar's aggregate classification.

Diagnostic Laboratory, Department of Genetics, University Medical Center Groningen
Classification: Uncertain significance. Review status: no assertion criteria provided. Collection method: clinical testing. Allele origin: germline. Affected: yes. Study: VKGL Data-share Consensus. Not counted in ClinVar's aggregate classification.

Laboratory of Diagnostic Genome Analysis, Leiden University Medical Center (LUMC)
Classification: Uncertain significance. Review status: no assertion criteria provided. Collection method: clinical testing. Allele origin: germline. Affected: yes. Study: VKGL Data-share Consensus. Not counted in ClinVar's aggregate classification.